The following is an entry in ClinVar:

ClinVar aggregate classification (germline): Uncertain significance (1 of 4 stars; one submission).

Conditions:
Cardiovascular phenotype. Identifiers: MedGen CN230736.

gnomAD v4.1: 3 of 1,548,576 alleles (0.00019%); highest among the groups gnomAD compares: Non-Finnish European, 0.00026%; no homozygotes.

Submission:

Ambry Genetics
Classification: Uncertain significance for Cardiovascular phenotype. Last evaluated: 2020-12-11. Review status: criteria provided, single submitter. Criteria: Ambry Variant Classification Scheme 2023. Collection method: clinical testing. Allele origin: germline.
Comment: The p.V1602F variant (also known as c.4804G>T), located in coding exon 2 of the ZNF469 gene, results from a G to T substitution at nucleotide position 4804. The valine at codon 1602 is replaced by phenylalanine, an amino acid with highly similar properties. This amino acid position is poorly conserved in available vertebrate species. In addition, this alteration is predicted to be tolerated by in silico analysis. Since supporting evidence is limited at this time, the clinical significance of this alteration remains unclear.

NM_001367624.2(ZNF469):c.4888G>T (p.Val1630Phe)

Gene: ZNF469 (zinc finger protein 469; plus strand). Cytogenetic location: 16q24.2.
Variant type: single nucleotide variant.
Coding change: c.4888G>T on transcript NM_001367624.2 (MANE Select); coding-DNA position 4888, G replaced by T.
Protein change: p.Val1630Phe; replaces valine 1630 with phenylalanine.
Molecular consequence: missense variant.
Genome position (GRCh38, 1-based): chr16:88,432,358, G>T. VCF-style: chr16-88432358-G-T. GRCh37 (hg19) VCF-style: chr16-88498766-G-T.
Other names: NM_001127464.1:c.4804G>T; short protein forms V1630F.
Identifiers: ClinVar variation 1743220 (VCV001743220.2), dbSNP rs749642726, ClinGen allele CA397094026.